The following is an entry in ClinVar:

ClinVar aggregate classification (germline): Uncertain significance (1 of 4 stars; one submission).

gnomAD v4.1: 4 of 1,593,644 alleles (0.00025%); highest among the groups gnomAD compares: East Asian, 0.0022%; no homozygotes.

Submission:

Labcorp Genetics (formerly Invitae), Labcorp
Classification: Uncertain significance. Last evaluated: 2024-06-26. Review status: criteria provided, single submitter. Criteria: Invitae Variant Classification Sherloc (09022015). Collection method: clinical testing. Allele origin: germline.
Comment: This sequence change affects codon 420 of the TAOK2 mRNA. It is a 'silent' change, meaning that it does not change the encoded amino acid sequence of the TAOK2 protein. This variant also falls at the last nucleotide of exon 12, which is part of the consensus splice site for this exon. The frequency data for this variant in the population databases is considered unreliable, as metrics indicate poor data quality at this position in the gnomAD database. This variant has not been reported in the literature in individuals affected with TAOK2-related conditions. Variants that disrupt the consensus splice site are a relatively common cause of aberrant splicing (PMID: 17576681, 9536098). Algorithms developed to predict the effect of sequence changes on RNA splicing suggest that this variant may disrupt the consensus splice site. In summary, the available evidence is currently insufficient to determine the role of this variant in disease. Therefore, it has been classified as a Variant of Uncertain Significance.

Literature cited by the submitters: PubMed 17576681; PubMed 9536098.

NM_016151.4(TAOK2):c.1260G>A (p.Pro420=)

Gene: TAOK2 (TAO kinase 2; plus strand). Cytogenetic location: 16p11.2.
Variant type: single nucleotide variant.
Coding change: c.1260G>A on transcript NM_016151.4 (MANE Select); coding-DNA position 1260, G replaced by A.
Protein change: p.Pro420=; no amino-acid change (proline 420 retained).
Molecular consequence: synonymous variant.
Genome position (GRCh38, 1-based): chr16:29,983,332, G>A. VCF-style: chr16-29983332-G-A. GRCh37 (hg19) VCF-style: chr16-29994653-G-A.
Other names: c.1260G>A, p.Pro420= (NM_001252043.2, NM_004783.4).
Identifiers: ClinVar variation 3674659 (VCV003674659.2).
Genomic context (GRCh38, chr16:29,983,332, plus strand): 5'-CATGATGCAGGAGGGGGAGCACACAGTCACCTCTCACAGCTCCATTATCCACCGGCTGCC[G>A]GTACACAGCTCACCCTTGGGGGACCCGAGCCACCTGCTCTAGAACTGCCTGGGTCTTCGC-3'
Protein context (NP_057235.2, residues 410-430): TSHSSIIHRL[Pro420=]GSDNLYDDPY